The following is an entry in ClinVar:

NM_024809.5(TCTN2):c.2087A>G (p.Tyr696Cys)

Gene: TCTN2 (tectonic family member 2; plus strand). Cytogenetic location: 12q24.31.
Variant type: single nucleotide variant.
Coding change: c.2087A>G on transcript NM_024809.5 (MANE Select); coding-DNA position 2087, A replaced by G.
Protein change: p.Tyr696Cys; replaces tyrosine 696 with cysteine.
Molecular consequence: missense variant.
Genome position (GRCh38, 1-based): chr12:123,707,706, A>G. VCF-style: chr12-123707706-A-G. GRCh37 (hg19) VCF-style: chr12-124192253-A-G.
Other names: c.2084A>G, p.Tyr695Cys (NM_001143850.3); short protein forms Y695C, Y696C.
Identifiers: ClinVar variation 1008627 (VCV001008627.9), dbSNP rs188690113, ClinGen allele CA6861427.

ClinVar aggregate classification (germline): Uncertain significance (1 of 4 stars; one submission).

Conditions:
Joubert syndrome. Also called: Familial aplasia of the vermis; CEREBELLOPARENCHYMAL DISORDER IV; JOUBERT-BOLTSHAUSER SYNDROME. Identifiers: Orphanet 475, MedGen C5979921, MONDO:0018772.
Meckel-Gruber syndrome. Also called: Dysencephalia splachnocystica; DYSENCEPHALIA SPLANCHNOCYSTICA; GRUBER SYNDROME. Identifiers: Orphanet 564, MedGen C0265215, MONDO:0018921.

Allele frequency attached by ClinVar (database versions not stated): gnomAD exomes below 0.00001 and 0.00001; TOPMed below 0.00001; gnomAD 0.00001; ExAC 0.00002; 1000 Genomes Project 30x 0.00016; 1000 Genomes Project 0.00020.
gnomAD v4.1: 4 of 1,613,474 alleles (0.00025%); highest among the groups gnomAD compares: South Asian, 0.0022%; no homozygotes.

Submission:

Labcorp Genetics (formerly Invitae), Labcorp
Classification: Uncertain significance for Joubert syndrome; Meckel-Gruber syndrome. Last evaluated: 2022-06-16. Review status: criteria provided, single submitter. Criteria: Invitae Variant Classification Sherloc (09022015). Collection method: clinical testing. Allele origin: germline.
Comment: Algorithms developed to predict the effect of missense changes on protein structure and function output the following: SIFT: "Tolerated"; PolyPhen-2: "Benign"; Align-GVGD: "Class C0". The cysteine amino acid residue is found in multiple mammalian species, which suggests that this missense change does not adversely affect protein function. This sequence change replaces tyrosine, which is neutral and polar, with cysteine, which is neutral and slightly polar, at codon 696 of the TCTN2 protein (p.Tyr696Cys). This variant is present in population databases (rs188690113, gnomAD 0.003%). This variant has not been reported in the literature in individuals affected with TCTN2-related conditions. ClinVar contains an entry for this variant (Variation ID: 1008627). In summary, the available evidence is currently insufficient to determine the role of this variant in disease. Therefore, it has been classified as a Variant of Uncertain Significance.